The following is an entry in ClinVar:

ClinVar aggregate classification (germline): Uncertain significance (1 of 4 stars; one submission).

Conditions:
Hereditary cancer-predisposing syndrome. Also called: Neoplastic Syndromes, Hereditary; Tumor predisposition; Hereditary neoplastic syndrome; Hereditary Cancer Syndrome. Identifiers: Orphanet 140162, MedGen C0027672, MeSH D009386, MONDO:0015356.

Submission:

Ambry Genetics
Classification: Uncertain significance for Hereditary cancer-predisposing syndrome. Last evaluated: 2026-07-07. Review status: criteria provided, single submitter. Criteria: Ambry Variant Classification Scheme 2023. Collection method: clinical testing. Allele origin: germline.
Comment: The p.T596S variant (also known as c.1786A>T), located in coding exon 10 of the SMARCA4 gene, results from an A to T substitution at nucleotide position 1786. The threonine at codon 596 is replaced by serine, an amino acid with similar properties. This amino acid position is conserved. In addition, this alteration is predicted to be tolerated by in silico analysis. Based on the available evidence, the clinical significance of this variant remains unclear.

NM_003072.5(SMARCA4):c.1786A>T (p.Thr596Ser)

Gene: SMARCA4 (SWI/SNF related BAF chromatin remodeling complex subunit ATPase 4; plus strand). Cytogenetic location: 19p13.2.
Variant type: single nucleotide variant.
Coding change: c.1786A>T on transcript NM_003072.5 (MANE Select); coding-DNA position 1786, A replaced by T.
Protein change: p.Thr596Ser; replaces threonine 596 with serine.
Molecular consequence: missense variant. On other transcripts: non-coding transcript variant (1).
Genome position (GRCh38, 1-based): chr19:10,996,518, A>T. VCF-style: chr19-10996518-A-T. GRCh37 (hg19) VCF-style: chr19-11107194-A-T.
Other names: c.1786A>T, p.Thr596Ser (NM_001128844.3, NM_001128845.2, NM_001128846.2 and 6 more transcripts); short protein forms T596S.
Identifiers: ClinVar variation 5029840 (VCV005029840.1).
Genomic context (GRCh38, chr19:10,996,518, plus strand): 5'-GGGTCAGGGCCTGACCGTGTCTCTCTCTATTTCCAGAAGGCAGAAAATGCAGAAGGACAG[A>T]CGCCTGCCATTGGGCCGGATGGCGAGGTGAGGAAGCAGGGTTTCTTGTGGAAGTATCAAG-3'
Protein context (NP_003063.2, residues 586-606): KKKAENAEGQ[Thr596Ser]PAIGPDGEPL